The following is an entry in ClinVar:

ClinVar aggregate classification (germline): Benign (1 of 4 stars; one submission).

Conditions:
Macular corneal dystrophy (MCD). Also called: GROENOUW TYPE II CORNEAL DYSTROPHY; Macular corneal dystrophy Type I. Identifiers: Orphanet 98969, MedGen C1636149, MONDO:0009020, OMIM 217800.

Allele frequency attached by ClinVar (database versions not stated): gnomAD 0.00001 and 0.00046; TOPMed 0.00008; 1000 Genomes Project 30x 0.00344; 1000 Genomes Project 0.00359.

Submission:

Illumina Laboratory Services, Illumina
Classification: Benign for Macular corneal dystrophy. Last evaluated: 2018-01-13. Review status: criteria provided, single submitter. Criteria: ICSL Variant Classification Criteria 13 December 2019. Collection method: clinical testing. Allele origin: germline.
Comment: This variant was observed in the ICSL laboratory as part of a predisposition screen in an ostensibly healthy population. It had not been previously curated by ICSL or reported in the Human Gene Mutation Database (HGMD: prior to June 1st, 2018), and was therefore a candidate for classification through an automated scoring system. Utilizing variant allele frequency, disease prevalence and penetrance estimates, and inheritance mode, an automated score was calculated to assess if this variant is too frequent to cause the disease. Based on the score and internal cut-off values, a variant classified as benign is not then subjected to further curation. The score for this variant resulted in a classification of benign for this disease.

NM_021615.5(CHST6):c.*5465C>T

Gene: CHST6 (carbohydrate sulfotransferase 6; minus strand). Cytogenetic location: 16q23.1.
Variant type: single nucleotide variant.
Coding change: c.*5465C>T on transcript NM_021615.5 (MANE Select); 5465 bases downstream of the stop codon, C replaced by T.
Molecular consequence: 3 prime UTR variant. On other transcripts: non-coding transcript variant (2).
Genome position (GRCh38, 1-based): chr16:75,473,176, G>A on the plus strand (C>T on the coding strand, the complement: CHST6 is on the minus strand). VCF-style: chr16-75473176-G-A. GRCh37 (hg19) VCF-style: chr16-75507074-G-A.
Identifiers: ClinVar variation 320503 (VCV000320503.5), dbSNP rs541989548, ClinGen allele CA10638360.
Genomic context (GRCh38, chr16:75,473,176, plus strand): 5'-CACTCAAATGACTGAAACACAATAAGCACTTTTATTGCTCCTAAAGTCTTCGACTTGGCC[G>A]CAGTGCTGGGCTCAGCTGGCCTCGCTCATATGTCTTTATAGCTACTCTTCTCAAGTGGTG-3'